The following is an entry in ClinVar:

NM_182914.3(SYNE2):c.3550G>A (p.Val1184Met)

Gene: SYNE2 (spectrin repeat containing nuclear envelope protein 2; plus strand). Cytogenetic location: 14q23.2.
Variant type: single nucleotide variant.
Coding change: c.3550G>A on transcript NM_182914.3 (MANE Select); coding-DNA position 3550, G replaced by A.
Protein change: p.Val1184Met; replaces valine 1184 with methionine.
Molecular consequence: missense variant.
Genome position (GRCh38, 1-based): chr14:64,000,631, G>A. VCF-style: chr14-64000631-G-A. GRCh37 (hg19) VCF-style: chr14-64467349-G-A.
Other names: c.3550G>A, p.Val1184Met (NM_015180.6); short protein forms V1184M.
Identifiers: ClinVar variation 313501 (VCV000313501.9), dbSNP rs377084463, ClinGen allele CA7219995.

ClinVar aggregate classification (germline): Uncertain significance. Review status: criteria provided, multiple submitters, no conflicts (2 of 4 stars). 2 submissions from 2 submitters: Uncertain significance (2). Last evaluated 2025-10-31.

Conditions:
Emery-Dreifuss muscular dystrophy 5, autosomal dominant (EDMD5). Also called: EMERY-DREIFUSS MUSCULAR DYSTROPHY 5. Identifiers: Orphanet 261, MedGen C2751805, MONDO:0013072, OMIM 612999.

Allele frequency attached by ClinVar (database versions not stated): gnomAD 0.00001; TOPMed 0.00002; ExAC 0.00003; gnomAD exomes 0.00004 and 0.00010; ESP Exome Variant Server 0.00009.
gnomAD v4.1: 151 of 1,613,330 alleles (0.0094%); highest among the groups gnomAD compares: Non-Finnish European, 0.012%; no homozygotes.

Submissions (2):

Labcorp Genetics (formerly Invitae), Labcorp
Classification: Uncertain significance for Emery-Dreifuss muscular dystrophy 5, autosomal dominant. Last evaluated: 2025-10-31. Review status: criteria provided, single submitter. Criteria: Invitae Variant Classification Sherloc (09022015). Collection method: clinical testing. Allele origin: germline.
Comment: This sequence change replaces valine, which is neutral and non-polar, with methionine, which is neutral and non-polar, at codon 1184 of the SYNE2 protein (p.Val1184Met). This variant is present in population databases (rs377084463, gnomAD 0.009%). This variant has not been reported in the literature in individuals affected with SYNE2-related conditions. ClinVar contains an entry for this variant (Variation ID: 313501). An algorithm developed to predict the effect of missense changes on protein structure and function outputs the following: PolyPhen-2: "Benign". The methionine amino acid residue is found in multiple mammalian species, which suggests that this missense change does not adversely affect protein function. In summary, the available evidence is currently insufficient to determine the role of this variant in disease. Therefore, it has been classified as a Variant of Uncertain Significance.

Illumina Laboratory Services, Illumina
Classification: Uncertain significance for Emery-Dreifuss muscular dystrophy 5, autosomal dominant. Last evaluated: 2018-01-13. Review status: criteria provided, single submitter. Criteria: ICSL Variant Classification Criteria 13 December 2019. Collection method: clinical testing. Allele origin: germline.